The following is an entry in ClinVar:

ClinVar aggregate classification (germline): Uncertain significance (1 of 4 stars; one submission).

Submission:

Labcorp Genetics (formerly Invitae), Labcorp
Classification: Uncertain significance. Last evaluated: 2022-02-05. Review status: criteria provided, single submitter. Criteria: Invitae Variant Classification Sherloc (09022015). Collection method: clinical testing. Allele origin: germline.
Comment: In summary, the available evidence is currently insufficient to determine the role of this variant in disease. Therefore, it has been classified as a Variant of Uncertain Significance. Algorithms developed to predict the effect of missense changes on protein structure and function are either unavailable or do not agree on the potential impact of this missense change (SIFT: "Deleterious"; PolyPhen-2: "Probably Damaging"; Align-GVGD: "Class C15"). ClinVar contains an entry for this variant (Variation ID: 1035096). This variant has not been reported in the literature in individuals affected with AGBL5-related conditions. This variant is not present in population databases (gnomAD no frequency). This sequence change replaces tyrosine, which is neutral and polar, with histidine, which is basic and polar, at codon 190 of the AGBL5 protein (p.Tyr190His).

NM_021831.6(AGBL5):c.568T>C (p.Tyr190His)

Gene: AGBL5 (AGBL carboxypeptidase 5; plus strand). Cytogenetic location: 2p23.3.
Variant type: single nucleotide variant.
Coding change: c.568T>C on transcript NM_021831.6 (MANE Select); coding-DNA position 568, T replaced by C.
Protein change: p.Tyr190His; replaces tyrosine 190 with histidine.
Molecular consequence: missense variant. On other transcripts: non-coding transcript variant (2).
Genome position (GRCh38, 1-based): chr2:27,054,646, T>C. VCF-style: chr2-27054646-T-C. GRCh37 (hg19) VCF-style: chr2-27277514-T-C.
Other names: c.568T>C, p.Tyr190His (NM_001035507.3); short protein forms Y190H.
Identifiers: ClinVar variation 1035096 (VCV001035096.8), dbSNP rs1668337182, ClinGen allele CA346172881.